The following is an entry in ClinVar:

NM_001129.5(AEBP1):c.1320_1326del (p.Arg440fs)

Gene: AEBP1 (AE binding protein 1; plus strand). Cytogenetic location: 7p13.
Variant type: Deletion.
Coding change: c.1320_1326del on transcript NM_001129.5 (MANE Select); coding-DNA positions 1320 to 1326, 7 bases deleted (GACCCAG; older notation c.1320_1326delGACCCAG).
Protein change: p.Arg440fs; shifts the reading frame from arginine 440.
Molecular consequence: frameshift variant.
Genome position (GRCh38, 1-based): chr7:44,110,266-44,110,272, GACCCAG deleted; deleting any 7 consecutive bases within chr7:44,110,262-44,110,272 gives the same sequence; the c. name uses the placement nearest the transcript's 3' end. VCF-style (leftmost placement, unchanged base first): chr7-44110261-GCCAGGAC-G. GRCh37 (hg19) VCF-style: chr7-44149860-GCCAGGAC-G.
Other names: short protein forms R440fs.
Identifiers: ClinVar variation 545024 (VCV000545024.2), dbSNP rs1554327284, ClinGen allele CA658796928.

ClinVar aggregate classification (germline): Pathogenic. Review status: criteria provided, single submitter (1 of 4 stars). 2 submissions from 2 submitters: Pathogenic (1). 1 of the submissions does not count toward it. Last evaluated 2025-12-21.

Conditions:
Ehlers-Danlos syndrome, classic-like, 2. Identifiers: Orphanet 536532, MedGen C4693870, MONDO:0054813, OMIM 618000.

Submissions (2):

Labcorp Genetics (formerly Invitae), Labcorp
Classification: Pathogenic. Last evaluated: 2025-12-21. Review status: criteria provided, single submitter. Criteria: Invitae Variant Classification Sherloc (09022015). Collection method: clinical testing. Allele origin: germline.
Comment: This sequence change creates a premature translational stop signal (p.Arg440Serfs*3) in the AEBP1 gene. It is expected to result in an absent or disrupted protein product. Loss-of-function variants in AEBP1 are known to be pathogenic (PMID: 29606302). This variant is not present in population databases (gnomAD no frequency). This premature translational stop signal has been observed in individual(s) with clinical features of Ehlers Danlos syndrome (PMID: 29606302). ClinVar contains an entry for this variant (Variation ID: 545024). Algorithms developed to predict the effect of sequence changes on RNA splicing suggest that this variant may disrupt the consensus splice site. For these reasons, this variant has been classified as Pathogenic.

OMIM
Classification: Pathogenic for EHLERS-DANLOS SYNDROME, CLASSIC-LIKE, 2. Last evaluated: 2018-05-30. Review status: no assertion criteria provided. Collection method: literature only. Allele origin: germline. Not counted in ClinVar's aggregate classification.

Literature cited by the submitters: PubMed 29606302 (cited by Labcorp Genetics (formerly Invitae), Labcorp and OMIM).